The following is an entry in ClinVar:

NM_000288.4(PEX7):c.296A>G (p.Lys99Arg)

Gene: PEX7 (peroxisomal biogenesis factor 7; plus strand). Cytogenetic location: 6q23.3.
Variant type: single nucleotide variant.
Coding change: c.296A>G on transcript NM_000288.4 (MANE Select); coding-DNA position 296, A replaced by G.
Protein change: p.Lys99Arg; replaces lysine 99 with arginine.
Molecular consequence: missense variant.
Genome position (GRCh38, 1-based): chr6:136,826,426, A>G. VCF-style: chr6-136826426-A-G. GRCh37 (hg19) VCF-style: chr6-137147564-A-G.
Other names: short protein forms K99R.
Identifiers: ClinVar variation 1006538 (VCV001006538.7), dbSNP rs367806635, ClinGen allele CA148641173.

ClinVar aggregate classification (germline): Uncertain significance. Review status: criteria provided, single submitter (1 of 4 stars). 2 submissions from 2 submitters: Uncertain significance (1). 1 of the submissions does not count toward it. Last evaluated 2021-08-31.

Conditions:
Rhizomelic chondrodysplasia punctata (RCDP). Identifiers: Orphanet 177, MedGen C0282529, MONDO:0015776. Disease mechanism: loss of function.
Peroxisome biogenesis disorder 9B. Also called: PEX7-Related Refsum Disease; PEROXISOME BIOGENESIS DISORDER, PEX7-RELATED, ATYPICAL; Refsum disease, adult, 2. Identifiers: Orphanet 773, MedGen C2749346, MONDO:0013945, OMIM 614879.

Allele frequency attached by ClinVar (database versions not stated): gnomAD exomes below 0.00001 and 0.00001; gnomAD 0.00001; TOPMed 0.00003; ESP Exome Variant Server 0.00008.
gnomAD v4.1: 20 of 1,613,852 alleles (0.0012%); highest among the groups gnomAD compares: Non-Finnish European, 0.0016%; no homozygotes.

Submissions (2):

Labcorp Genetics (formerly Invitae), Labcorp
Classification: Uncertain significance for Peroxisome biogenesis disorder 9B. Last evaluated: 2021-08-31. Review status: criteria provided, single submitter. Criteria: Invitae Variant Classification Sherloc (09022015). Collection method: clinical testing. Allele origin: germline.
Comment: This sequence change replaces lysine with arginine at codon 99 of the PEX7 protein (p.Lys99Arg). The lysine residue is moderately conserved and there is a small physicochemical difference between lysine and arginine. This variant is not present in population databases (ExAC no frequency). This variant has not been reported in the literature in individuals affected with PEX7-related conditions. Algorithms developed to predict the effect of missense changes on protein structure and function output the following: SIFT: "Tolerated"; PolyPhen-2: "Benign"; Align-GVGD: "Class C0". The arginine amino acid residue is found in multiple mammalian species, which suggests that this missense change does not adversely affect protein function. In summary, the available evidence is currently insufficient to determine the role of this variant in disease. Therefore, it has been classified as a Variant of Uncertain Significance.

Natera, Inc.
Classification: Uncertain significance for Rhizomelic Chondrodysplasia Punctata. Last evaluated: 2020-10-21. Review status: no assertion criteria provided. Collection method: clinical testing. Allele origin: germline. Not counted in ClinVar's aggregate classification.